The following is an entry in ClinVar:

ClinVar aggregate classification (germline): Uncertain significance (1 of 4 stars; one submission).

Allele frequency attached by ClinVar (database versions not stated): gnomAD exomes below 0.00001 and 0.00002; gnomAD 0.00002 and 0.00003; ExAC 0.00003; ESP Exome Variant Server 0.00008; 1000 Genomes Project 30x 0.00016; 1000 Genomes Project 0.00020.
gnomAD v4.1: 10 of 1,585,694 alleles (0.00063%); highest among the groups gnomAD compares: African/African-American, 0.004%; no homozygotes.

Submission:

Labcorp Genetics (formerly Invitae), Labcorp
Classification: Uncertain significance. Last evaluated: 2022-08-09. Review status: criteria provided, single submitter. Criteria: Invitae Variant Classification Sherloc (09022015). Collection method: clinical testing. Allele origin: germline.
Comment: This sequence change replaces alanine, which is neutral and non-polar, with threonine, which is neutral and polar, at codon 94 of the GTPBP3 protein (p.Ala94Thr). This variant is present in population databases (rs373671727, gnomAD 0.008%). This variant has not been reported in the literature in individuals affected with GTPBP3-related conditions. ClinVar contains an entry for this variant (Variation ID: 1442666). Algorithms developed to predict the effect of missense changes on protein structure and function are either unavailable or do not agree on the potential impact of this missense change (SIFT: "Tolerated"; PolyPhen-2: "Possibly Damaging"; Align-GVGD: "Class C0"). In summary, the available evidence is currently insufficient to determine the role of this variant in disease. Therefore, it has been classified as a Variant of Uncertain Significance.

NM_032620.4(GTPBP3):c.280G>A (p.Ala94Thr)

Gene: GTPBP3 (GTP binding protein 3, mitochondrial; plus strand). Cytogenetic location: 19p13.11.
Variant type: single nucleotide variant.
Coding change: c.280G>A on transcript NM_032620.4 (MANE Select); coding-DNA position 280, G replaced by A.
Protein change: p.Ala94Thr; replaces alanine 94 with threonine.
Molecular consequence: missense variant.
Genome position (GRCh38, 1-based): chr19:17,338,234, G>A. VCF-style: chr19-17338234-G-A. GRCh37 (hg19) VCF-style: chr19-17449043-G-A.
Other names: c.280G>A, p.Ala94Thr (NM_001128855.3, NM_133644.4); c.346G>A, p.Ala116Thr (NM_001195422.1); short protein forms A94T, A116T.
Identifiers: ClinVar variation 1442666 (VCV001442666.6), dbSNP rs373671727, ClinGen allele CA9293277.